The following is an entry in ClinVar:

NM_014159.7(SETD2):c.2579G>T (p.Ser860Ile)

Gene: SETD2 (SET domain containing 2, histone lysine methyltransferase; minus strand). Cytogenetic location: 3p21.31.
Variant type: single nucleotide variant.
Coding change: c.2579G>T on transcript NM_014159.7 (MANE Select); coding-DNA position 2579, G replaced by T.
Protein change: p.Ser860Ile; replaces serine 860 with isoleucine.
Molecular consequence: missense variant. On other transcripts: non-coding transcript variant (1).
Genome position (GRCh38, 1-based): chr3:47,122,057, C>A on the plus strand (G>T on the coding strand, the complement: SETD2 is on the minus strand). VCF-style: chr3-47122057-C-A. GRCh37 (hg19) VCF-style: chr3-47163547-C-A.
Other names: c.2447G>T, p.Ser816Ile (NM_001349370.3); short protein forms S816I, S860I.
Identifiers: ClinVar variation 1709207 (VCV001709207.2), dbSNP rs1292988403, ClinGen allele CA352525949.

ClinVar aggregate classification (germline): Uncertain significance (1 of 4 stars; one submission).

Conditions:
Luscan-Lumish syndrome. Identifiers: Orphanet 597738, MedGen C4085873, MONDO:0014791, OMIM 616831.

Allele frequency attached by ClinVar (database versions not stated): gnomAD exomes below 0.00001; TOPMed below 0.00001.
gnomAD v4.1: 3 of 1,613,770 alleles (0.00019%); highest among the groups gnomAD compares: Non-Finnish European, 0.00017%; no homozygotes.

Submission:

MGZ Medical Genetics Center
Classification: Uncertain significance for Luscan-Lumish syndrome. Last evaluated: 2022-03-17. Review status: criteria provided, single submitter. Criteria: ACMG Guidelines, 2015. Collection method: clinical testing. Allele origin: germline. Affected: yes. Observed: 1 variant allele.
Comment: ACMG criteria applied: PM2_SUP, PP2